The following is an entry in ClinVar:

NM_144991.3(TSPEAR):c.893T>C (p.Val298Ala)

Gene: TSPEAR (thrombospondin type laminin G domain and EAR repeats; minus strand). Cytogenetic location: 21q22.3.
Variant type: single nucleotide variant.
Coding change: c.893T>C on transcript NM_144991.3 (MANE Select); coding-DNA position 893, T replaced by C.
Protein change: p.Val298Ala; replaces valine 298 with alanine.
Molecular consequence: missense variant.
Genome position (GRCh38, 1-based): chr21:44,528,481, A>G on the plus strand (T>C on the coding strand, the complement: TSPEAR is on the minus strand). VCF-style: chr21-44528481-A-G. GRCh37 (hg19) VCF-style: chr21-45948364-A-G.
Other names: c.689T>C, p.Val230Ala (NM_001272037.2); short protein forms V298A, V230A.
Identifiers: ClinVar variation 2394444 (VCV002394444.3), dbSNP rs141420272, ClinGen allele CA10056812.

ClinVar aggregate classification (germline): Uncertain significance. Review status: criteria provided, multiple submitters, no conflicts (2 of 4 stars). 2 submissions from 2 submitters: Uncertain significance (2). Last evaluated 2024-12-10.

Conditions:
Inborn genetic diseases. Identifiers: MedGen C0950123, MeSH D030342.

Allele frequency attached by ClinVar (database versions not stated): gnomAD exomes 0.00002; ESP Exome Variant Server 0.00038.
gnomAD v4.1: 49 of 1,613,926 alleles (0.003%); highest among the groups gnomAD compares: African/African-American, 0.052%; no homozygotes.

Submissions (2):

GeneDx
Classification: Uncertain significance. Last evaluated: 2024-12-10. Review status: criteria provided, single submitter. Criteria: GeneDx Variant Classification Process June 2021. Collection method: clinical testing. Allele origin: germline. Affected: yes.
Comment: In silico analysis indicates that this missense variant does not alter protein structure/function; Has not been previously published as pathogenic or benign to our knowledge

Ambry Genetics
Classification: Uncertain significance for Inborn genetic diseases. Last evaluated: 2022-04-07. Review status: criteria provided, single submitter. Criteria: Ambry Variant Classification Scheme 2023. Collection method: clinical testing. Allele origin: germline.